The following is an entry in ClinVar:

ClinVar aggregate classification (germline): Uncertain significance (1 of 4 stars; one submission).

Conditions:
2-aminoadipic 2-oxoadipic aciduria (AAKAD). Also called: Aminoadipic aciduria; ALPHA-AMINOADIPIC AND ALPHA-KETOADIPIC ACIDURIA. Identifiers: Orphanet 79154, MedGen C1859817, MONDO:0008774, OMIM 204750.

Allele frequency attached by ClinVar (database versions not stated): ExAC 0.00001; gnomAD exomes 0.00001.
gnomAD v4.1: 23 of 1,614,102 alleles (0.0014%); highest among the groups gnomAD compares: Middle Eastern, 0.049%; 1 homozygote.

Submission:

Labcorp Genetics (formerly Invitae), Labcorp
Classification: Uncertain significance for 2-aminoadipic 2-oxoadipic aciduria. Last evaluated: 2024-09-18. Review status: criteria provided, single submitter. Criteria: Invitae Variant Classification Sherloc (09022015). Collection method: clinical testing. Allele origin: germline.
Comment: This sequence change replaces asparagine, which is neutral and polar, with serine, which is neutral and polar, at codon 286 of the DHTKD1 protein (p.Asn286Ser). This variant is present in population databases (rs759029764, gnomAD 0.006%). This variant has not been reported in the literature in individuals affected with DHTKD1-related conditions. Invitae Evidence Modeling of protein sequence and biophysical properties (such as structural, functional, and spatial information, amino acid conservation, physicochemical variation, residue mobility, and thermodynamic stability) indicates that this missense variant is not expected to disrupt DHTKD1 protein function with a negative predictive value of 80%. In summary, the available evidence is currently insufficient to determine the role of this variant in disease. Therefore, it has been classified as a Variant of Uncertain Significance.

NM_018706.7(DHTKD1):c.857A>G (p.Asn286Ser)

Gene: DHTKD1 (dehydrogenase E1 and transketolase domain containing 1; plus strand). Cytogenetic location: 10p14.
Variant type: single nucleotide variant.
Coding change: c.857A>G on transcript NM_018706.7 (MANE Select); coding-DNA position 857, A replaced by G.
Protein change: p.Asn286Ser; replaces asparagine 286 with serine.
Molecular consequence: missense variant.
Genome position (GRCh38, 1-based): chr10:12,089,125, A>G. VCF-style: chr10-12089125-A-G. GRCh37 (hg19) VCF-style: chr10-12131124-A-G.
Other names: short protein forms N286S.
Identifiers: ClinVar variation 2715889 (VCV002715889.3), dbSNP rs759029764, ClinGen allele CA5407668.
Genomic context (GRCh38, chr10:12,089,125, plus strand): 5'-CCTCCTCTGTGGACCTGTACTTTGGGGCGCACCATCCCCTCCATGTGACAATGTTGCCCA[A>G]TCCCTCGCACCTGGAGGCCGTCAACCCCGTGGCCGTGGGCAAAACTCGCGGCAGGCAGCA-3'
Protein context (NP_061176.4, residues 276-296): HHPLHVTMLP[Asn286Ser]PSHLEAVNPV